The following is an entry in ClinVar:

NM_000124.4(ERCC6):c.678del (p.Ser226fs)

Gene: ERCC6 (ERCC excision repair 6, chromatin remodeling factor; minus strand). Cytogenetic location: 10q11.23.
Variant type: Deletion.
Coding change: c.678del on transcript NM_000124.4 (MANE Select); coding-DNA position 678, one base deleted (C; older notation c.678delC).
Protein change: p.Ser226fs; shifts the reading frame from serine 226.
Molecular consequence: frameshift variant.
Genome position (GRCh38, 1-based): chr10:49,524,752, G deleted on the plus strand (C on the coding strand, the reverse complement: ERCC6 is on the minus strand). VCF-style (leftmost placement, unchanged base first): chr10-49524751-TG-T. GRCh37 (hg19) VCF-style: chr10-50732797-TG-T.
Other names: c.678del, p.Ser226fs (NM_001277058.2, NM_001277059.2, NM_001346440.2); short protein forms S226fs.
Identifiers: ClinVar variation 5014618 (VCV005014618.1).
Genomic context (GRCh38, chr10:49,524,751, plus strand): 5'-GTGTCATCTGGCCAGTGCGGATGAGCTCTTCCCAGGCAGTCTCCTGGACAGGCATGAGCA[TG>T]CTGCCAAGACTGGATGGCCCCGGCTCTGAAAGAACAATAGCAATGCGTTTCGCACTAGCA-3'

ClinVar aggregate classification (germline): Pathogenic (1 of 4 stars; one submission).

Conditions:
Cockayne spectrum with or without cerebrooculofacioskeletal syndrome. Identifiers: MedGen CN315928, MONDO:0100506.

Submission:

Myriad Genetics, Inc.
Classification: Pathogenic for Cockayne spectrum with or without cerebrooculofacioskeletal syndrome. Last evaluated: 2025-06-19. Review status: criteria provided, single submitter. Criteria: Myriad Autosomal Dominant, Autosomal Recessive and X-Linked Classification Criteria (2023). Collection method: clinical testing. Allele origin: unknown.
Comment: NM_000124.2(ERCC6):c.678delC(S226Rfs*20) is expected to be pathogenic in the context of ERCC6-related disorders. This variant is predicted to lead to an abnormal or absent protein product due to the creation of a premature termination codon in ERCC6, a gene where loss-of-function variants are known to be pathogenic. Please note: this variant was assessed in the context of healthy population screening.